The following is an entry in ClinVar:

ClinVar aggregate classification (germline): Likely pathogenic (1 of 4 stars; one submission).

Conditions:
Supravalvar aortic stenosis (SVAS). Also called: Supravalvar aortic stenosis, Eisenberg type. Identifiers: Orphanet 3193, MedGen C0003499, MONDO:0008504, OMIM 185500, HP:0004381.

Submission:

Labcorp Genetics (formerly Invitae), Labcorp
Classification: Likely pathogenic for Supravalvar aortic stenosis. Last evaluated: 2025-07-18. Review status: criteria provided, single submitter. Criteria: Invitae Variant Classification Sherloc (09022015). Collection method: clinical testing. Allele origin: germline.
Comment: This sequence change affects an acceptor splice site in intron 6 of the ELN gene. It is expected to disrupt RNA splicing. Variants that disrupt the donor or acceptor splice site typically lead to a loss of protein function (PMID: 16199547), and loss-of-function variants in ELN are known to be pathogenic (PMID: 11175284). This variant is present in population databases (no rsID available, gnomAD 0.0009%). This variant has not been reported in the literature in individuals affected with ELN-related conditions. Algorithms developed to predict the effect of sequence changes on RNA splicing suggest that this variant may disrupt the consensus splice site. In summary, the currently available evidence indicates that the variant is pathogenic, but additional data are needed to prove that conclusively. Therefore, this variant has been classified as Likely Pathogenic.

Literature cited by the submitters: PubMed 16199547; PubMed 11175284.

NM_000501.4(ELN):c.326-1G>A

Gene: ELN (elastin; plus strand). Cytogenetic location: 7q11.23.
Variant type: single nucleotide variant.
Coding change: c.326-1G>A on transcript NM_000501.4 (MANE Select); the canonical splice acceptor site of the intron before coding-DNA position 326, G replaced by A.
Molecular consequence: splice acceptor variant.
Genome position (GRCh38, 1-based): chr7:74,042,983, G>A. VCF-style: chr7-74042983-G-A. GRCh37 (hg19) VCF-style: chr7-73457313-G-A.
Other names: c.296-1G>A (NM_001278917.2, NM_001081752.3, NM_001278918.2 and 1 more transcripts); c.326-1G>A (NM_001081754.3, NM_001081753.3, NM_001278939.2 and 4 more transcripts); c.290-1G>A (NM_001278913.2).
Identifiers: ClinVar variation 4766197 (VCV004766197.1).
Genomic context (GRCh38, chr7:74,042,983, plus strand): 5'-CCGGGCCCTTCTGCCTCCCCACTGTTCCTTACGCAATGCCTCACCTGTCCTGGCTCTGCA[G>A]GCGCTGGGCTTGGTGGTGTCCCAGGAGTTGGTGGCTTAGGAGTGTCTGCAGGTACGATGG-3'